The following is an entry in ClinVar:

ClinVar aggregate classification (germline): Uncertain significance. Review status: criteria provided, multiple submitters, no conflicts (2 of 4 stars). 2 submissions from 2 submitters: Uncertain significance (2). Last evaluated 2026-07-06.

Conditions:
Hereditary cancer-predisposing syndrome. Also called: Hereditary neoplastic syndrome; Hereditary Cancer Syndrome; Neoplastic Syndromes, Hereditary; Tumor predisposition. Identifiers: Orphanet 140162, MedGen C0027672, MeSH D009386, MONDO:0015356.
SDHC-related disorder. Also called: SDHC-related condition.

Allele frequency attached by ClinVar (database versions not stated): gnomAD exomes 0.00004; ExAC 0.00001.
gnomAD v4.1: 59 of 1,612,812 alleles (0.0037%); highest among the groups gnomAD compares: Non-Finnish European, 0.0047%; no homozygotes.

Submissions (2):

Ambry Genetics
Classification: Uncertain significance for Hereditary cancer-predisposing syndrome. Last evaluated: 2026-07-06. Review status: criteria provided, single submitter. Criteria: Ambry Variant Classification Scheme 2023. Collection method: clinical testing. Allele origin: germline.
Comment: The p.H122Y variant (also known as c.364C>T), located in coding exon 5 of the SDHC gene, results from a C to T substitution at nucleotide position 364. The histidine at codon 122 is replaced by tyrosine, an amino acid with similar properties. This amino acid position is conserved. In addition, the in silico prediction for this alteration is inconclusive. Based on the available evidence, the clinical significance of this variant remains unclear.

PreventionGenetics, part of Exact Sciences
Classification: Uncertain significance for SDHC-related condition. Last evaluated: 2022-12-21. Review status: criteria provided, single submitter. Criteria: ACMG Guidelines, 2015. Collection method: clinical testing. Allele origin: germline.
Comment: The SDHC c.262C>T variant is predicted to result in the amino acid substitution p.His88Tyr. To our knowledge, this variant has not been reported in the literature. This variant is reported in 0.0029% of alleles in individuals of Latino descent in gnomAD. At this time, the clinical significance of this variant is uncertain due to the absence of conclusive functional and genetic evidence.

NM_003001.5(SDHC):c.*18C>T

Gene: SDHC (succinate dehydrogenase complex subunit C; plus strand). Cytogenetic location: 1q23.3.
Variant type: single nucleotide variant.
Coding change: c.*18C>T on transcript NM_003001.5 (MANE Select); 18 bases downstream of the stop codon, C replaced by T.
Molecular consequence: 3 prime UTR variant. On other transcripts: missense variant (3), non-coding transcript variant (1).
Genome position (GRCh38, 1-based): chr1:161,362,451, C>T. VCF-style: chr1-161362451-C-T. GRCh37 (hg19) VCF-style: chr1-161332241-C-T.
Other names: c.364C>T, p.His122Tyr (NM_001035511.3); c.*18C>T (NM_001035512.3, NM_001035513.3, NM_001407115.1 and 5 more transcripts); c.262C>T, p.His88Tyr (NM_001278172.3); c.307C>T, p.His103Tyr (NM_001407121.1); c.364C>T (NM_001035511.1); short protein forms H103Y, H122Y, H88Y.
Identifiers: ClinVar variation 2629616 (VCV002629616.2), dbSNP rs781148151, ClinGen allele CA047681.